The following is an entry in ClinVar:

ClinVar aggregate classification (germline): Likely benign. Review status: criteria provided, single submitter (1 of 4 stars). 2 submissions from 2 submitters: Likely benign (1). 1 of the submissions does not count toward it. Last evaluated 2025-02-03.

Conditions:
Alstrom syndrome (ALMS). Identifiers: Orphanet 64, MedGen C0268425, MONDO:0008763, OMIM 203800.
ALMS1-related disorder. Also called: ALMS1-related condition.

Allele frequency attached by ClinVar (database versions not stated): gnomAD exomes 0.00002.

Submissions (2):

Labcorp Genetics (formerly Invitae), Labcorp
Classification: Likely benign for Alstrom syndrome. Last evaluated: 2025-02-03. Review status: criteria provided, single submitter. Criteria: Invitae Variant Classification Sherloc (09022015). Collection method: clinical testing. Allele origin: germline.

PreventionGenetics, part of Exact Sciences
Classification: Likely benign for ALMS1-related condition. Last evaluated: 2020-10-09. Review status: no assertion criteria provided. Collection method: clinical testing. Allele origin: germline. Not counted in ClinVar's aggregate classification.
Comment: This variant is classified as likely benign based on ACMG/AMP sequence variant interpretation guidelines (Richards et al. 2015 PMID: 25741868, with internal and published modifications).

NM_001378454.1(ALMS1):c.3915T>C (p.His1305=)

Gene: ALMS1 (ALMS1 centrosome and basal body associated protein; plus strand). Cytogenetic location: 2p13.1.
Variant type: single nucleotide variant.
Coding change: c.3915T>C on transcript NM_001378454.1 (MANE Select); coding-DNA position 3915, T replaced by C.
Protein change: p.His1305=; no amino-acid change (histidine 1305 retained).
Molecular consequence: synonymous variant.
Genome position (GRCh38, 1-based): chr2:73,450,442, T>C. VCF-style: chr2-73450442-T-C. GRCh37 (hg19) VCF-style: chr2-73677569-T-C.
Other names: c.3918T>C, p.His1306= (NM_015120.4).
Identifiers: ClinVar variation 2127440 (VCV002127440.5), dbSNP rs1259114403, ClinGen allele CA427020495.